The following is an entry in ClinVar:

NM_153033.5(KCTD7):c.811C>G (p.Leu271Val)

Gene: KCTD7 (potassium channel tetramerization domain containing 7; plus strand). Cytogenetic location: 7q11.21.
Variant type: single nucleotide variant.
Coding change: c.811C>G on transcript NM_153033.5 (MANE Select); coding-DNA position 811, C replaced by G.
Protein change: p.Leu271Val; replaces leucine 271 with valine.
Molecular consequence: missense variant.
Genome position (GRCh38, 1-based): chr7:66,639,173, C>G. VCF-style: chr7-66639173-C-G. GRCh37 (hg19) VCF-style: chr7-66104160-C-G.
Other names: c.811C>G, p.Leu271Val (NM_001167961.2); short protein forms L271V.
Identifiers: ClinVar variation 1441075 (VCV001441075.8), dbSNP rs2116775776, ClinGen allele CA367697645.
Genomic context (GRCh38, chr7:66,639,173, plus strand): 5'-GACCTCTCGGCCCAGGGTCTCACCGTGGACCACCAGTGCATCGGGGTGTGTGACAAGCAC[C>G]TCGTGAACCACTACTACTGCAAGCGCCCCATCTATGAGTTCAAGATCACATGGTGGTGAG-3'
Protein context (NP_694578.1, residues 261-281): HQCIGVCDKH[Leu271Val]VNHYYCKRPI

ClinVar aggregate classification (germline): Uncertain significance (1 of 4 stars; one submission).

Conditions:
Progressive myoclonic epilepsy type 3. Also called: KCTD7-Related Progressive Myoclonic Epilepsy; EPILEPSY, PROGRESSIVE MYOCLONIC, 3, WITHOUT INTRACELLULAR INCLUSIONS; EPILEPSY, PROGRESSIVE MYOCLONIC, 3, WITH OR WITHOUT INTRACELLULAR INCLUSIONS; CEROID LIPOFUSCINOSIS, NEURONAL, 14. Identifiers: Orphanet 263516, MedGen C2673257, MONDO:0012721, OMIM 611726.

Allele frequency attached by ClinVar (database versions not stated): gnomAD exomes below 0.00001.
gnomAD v4.1: 1 of 1,614,066 alleles (0.000062%); highest among the groups gnomAD compares: Non-Finnish European, 0.000085%; no homozygotes.

Submission:

Labcorp Genetics (formerly Invitae), Labcorp
Classification: Uncertain significance for Progressive myoclonic epilepsy type 3. Last evaluated: 2023-03-23. Review status: criteria provided, single submitter. Criteria: Invitae Variant Classification Sherloc (09022015). Collection method: clinical testing. Allele origin: germline.
Comment: This sequence change replaces leucine, which is neutral and non-polar, with valine, which is neutral and non-polar, at codon 271 of the KCTD7 protein (p.Leu271Val). In summary, the available evidence is currently insufficient to determine the role of this variant in disease. Therefore, it has been classified as a Variant of Uncertain Significance. An algorithm developed to predict the effect of missense changes on protein structure and function (PolyPhen-2) suggests that this variant is likely to be disruptive. ClinVar contains an entry for this variant (Variation ID: 1441075). This variant has not been reported in the literature in individuals affected with KCTD7-related conditions. This variant is not present in population databases (gnomAD no frequency).